The following is an entry in ClinVar:

NM_178857.6(RP1L1):c.329C>T (p.Pro110Leu)

Gene: RP1L1 (RP1 like 1). Cytogenetic location: 8p23.1.
Variant type: single nucleotide variant.
Coding change: c.329C>T on transcript NM_178857.6 (MANE Select); coding-DNA position 329, C replaced by T.
Protein change: p.Pro110Leu; replaces proline 110 with leucine.
Molecular consequence: missense variant.
Genome position (GRCh38, 1-based): chr8:10,622,873, G>A on the plus strand (C>T on the coding strand, the complement: RP1L1 is on the minus strand). VCF-style: chr8-10622873-G-A. GRCh37 (hg19) VCF-style: chr8-10480383-G-A.
Other names: c.329C>T (NM_178857.5); short protein forms P110L.
Identifiers: ClinVar variation 284261 (VCV000284261.52), dbSNP rs536817048, ClinGen allele CA4625755.

ClinVar aggregate classification (germline): Conflicting classifications of pathogenicity. Review status: criteria provided, conflicting classifications (1 of 4 stars). 8 submissions from 8 submitters: Uncertain significance (5); Likely benign (1). 2 of the submissions do not count toward it. Last evaluated 2026-06-24.

Conditions:
RP1L1-related disorder. Also called: RP1L1-related condition.
Retinal dystrophy. Also called: Inherited retinal dystrophy. Identifiers: Orphanet 71862, MedGen C0854723, MeSH D058499, MONDO:0019118, HP:0000556.

Allele frequency attached by ClinVar (database versions not stated): gnomAD 0.00006.
gnomAD v4.1: 151 of 1,613,356 alleles (0.0094%); highest among the groups gnomAD compares: Middle Eastern, 0.2%; no homozygotes.

Submissions (8):

PreventionGenetics, part of Exact Sciences
Classification: Uncertain significance for RP1L1-related condition. Last evaluated: 2026-06-24. Review status: criteria provided, single submitter. Criteria: ACMG Guidelines, 2015. Collection method: clinical testing. Allele origin: germline.
Comment: The RP1L1 c.329C>T variant is predicted to result in the amino acid substitution p.Pro110Leu. This variant has been reported in the heterozygous state in an individual with occult macular dystrophy (Davidson et al. 2013. PubMed ID: 23281133). This variant has also been reported in the heterozygous state in an individual with retinal disease (Table S1, Lin et al. 2024. PubMed ID: 38219857). Lastly, this variant was reported in the compound heterozygous state in a patient with retinitis pigmentosa (Antropoli et al. 2025. PubMed ID: 40172514). This variant is present in 0.045% of alleles in individuals of Latino descent in gnomAD. At this time, the clinical significance of this variant is uncertain due to the absence of conclusive functional and genetic evidence.

Labcorp Genetics (formerly Invitae), Labcorp
Classification: Uncertain significance. Last evaluated: 2025-10-26. Review status: criteria provided, single submitter. Criteria: Invitae Variant Classification Sherloc (09022015). Collection method: clinical testing. Allele origin: germline.
Comment: This sequence change replaces proline, which is neutral and non-polar, with leucine, which is neutral and non-polar, at codon 110 of the RP1L1 protein (p.Pro110Leu). This variant is present in population databases (rs536817048, gnomAD 0.05%). This missense change has been observed in individuals with occult macular dystrophy and/or retinitis pigmentosa (PMID: 23281133, 40172514). ClinVar contains an entry for this variant (Variation ID: 284261). Invitae Evidence Modeling of protein sequence and biophysical properties (such as structural, functional, and spatial information, amino acid conservation, physicochemical variation, residue mobility, and thermodynamic stability) indicates that this missense variant is not expected to disrupt RP1L1 protein function with a negative predictive value of 80%. In summary, the available evidence is currently insufficient to determine the role of this variant in disease. Therefore, it has been classified as a Variant of Uncertain Significance.

Blueprint Genetics
Classification: Likely benign. Last evaluated: 2024-10-09. Review status: criteria provided, single submitter. Criteria: ACMG Guidelines, 2015. Collection method: clinical testing. Allele origin: germline.

Institute of Human Genetics, Univ. Regensburg, Univ. Regensburg
Classification: Uncertain significance for Retinal dystrophy. Last evaluated: 2022-01-01. Review status: criteria provided, single submitter. Criteria: ACMG Guidelines, 2015. Collection method: clinical testing. Allele origin: germline. Affected: yes.

CeGaT Center for Human Genetics Tuebingen
Classification: Uncertain significance. Last evaluated: 2020-04-01. Review status: criteria provided, single submitter. Criteria: CeGaT Center For Human Genetics Tuebingen Variant Classification Criteria Version 2. Collection method: clinical testing. Allele origin: germline. Affected: yes. Observed: 1 variant allele.

Eurofins Ntd Llc (ga)
Classification: Uncertain significance. Last evaluated: 2015-10-28. Review status: criteria provided, single submitter. Criteria: EGL Classification Definitions 2015. Collection method: clinical testing. Allele origin: germline. Observed: 1 variant allele, 1 heterozygote.

Clinical Genetics DNA and cytogenetics Diagnostics Lab, Erasmus MC, Erasmus Medical Center
Classification: Uncertain significance. Review status: no assertion criteria provided. Collection method: clinical testing. Allele origin: germline. Affected: yes. Study: VKGL Data-share Consensus. Not counted in ClinVar's aggregate classification.

Clinical Genetics, Academic Medical Center
Classification: Uncertain significance. Review status: no assertion criteria provided. Collection method: clinical testing. Allele origin: germline. Affected: yes. Study: VKGL Data-share Consensus. Not counted in ClinVar's aggregate classification.

Literature cited by the submitters: PubMed 23281133 (cited by Labcorp Genetics (formerly Invitae), Labcorp and Institute of Human Genetics, Univ. Regensburg, Univ. Regensburg); PubMed 40172514 (cited by Labcorp Genetics (formerly Invitae), Labcorp); PubMed 3442652 (cited by Institute of Human Genetics, Univ. Regensburg, Univ. Regensburg).